The following is an entry in ClinVar:

ClinVar aggregate classification (germline): Uncertain significance (1 of 4 stars; one submission).

Allele frequency attached by ClinVar (database versions not stated): TOPMed below 0.00001; ExAC 0.00002; gnomAD exomes 0.00003.

Submission:

Labcorp Genetics (formerly Invitae), Labcorp
Classification: Uncertain significance. Last evaluated: 2022-10-30. Review status: criteria provided, single submitter. Criteria: Invitae Variant Classification Sherloc (09022015). Collection method: clinical testing. Allele origin: germline.
Comment: Advanced modeling of protein sequence and biophysical properties (such as structural, functional, and spatial information, amino acid conservation, physicochemical variation, residue mobility, and thermodynamic stability) performed at Invitae indicates that this missense variant is not expected to disrupt TNFAIP3 protein function. In summary, the available evidence is currently insufficient to determine the role of this variant in disease. Therefore, it has been classified as a Variant of Uncertain Significance. This variant has not been reported in the literature in individuals affected with TNFAIP3-related conditions. This variant is present in population databases (rs781716884, gnomAD 0.007%). This sequence change replaces glutamic acid, which is acidic and polar, with aspartic acid, which is acidic and polar, at codon 374 of the TNFAIP3 protein (p.Glu374Asp).

NM_001270508.2(TNFAIP3):c.1122A>T (p.Glu374Asp)

Gene: TNFAIP3 (TNF alpha induced protein 3; plus strand). Cytogenetic location: 6q23.3.
Variant type: single nucleotide variant.
Coding change: c.1122A>T on transcript NM_001270508.2 (MANE Select); coding-DNA position 1122, A replaced by T.
Protein change: p.Glu374Asp; replaces glutamic acid 374 with aspartic acid.
Molecular consequence: missense variant.
Genome position (GRCh38, 1-based): chr6:137,878,567, A>T. VCF-style: chr6-137878567-A-T. GRCh37 (hg19) VCF-style: chr6-138199704-A-T.
Other names: c.1122A>T, p.Glu374Asp (NM_001270507.2, NM_006290.4); short protein forms E374D.
Identifiers: ClinVar variation 2994791 (VCV002994791.3), dbSNP rs781716884, ClinGen allele CA4019576.
Genomic context (GRCh38, chr6:137,878,567, plus strand): 5'-GAAATGGCAGGAAAACAGCGAGCAGGGGAGGAGAGAGGGGCACGCCCAGAATCCCATGGA[A>T]CCTTCCGTGCCCCAGCTTTCTCTCATGGATGTAAAATGTGAAACGCCCAACTGCCCCTTC-3'
Protein context (NP_001257437.1, residues 364-384): RREGHAQNPM[Glu374Asp]PSVPQLSLMD